The following is an entry in ClinVar:

ClinVar aggregate classification (germline): Uncertain significance (1 of 4 stars; one submission).

Conditions:
Hereditary cancer-predisposing syndrome. Also called: Hereditary Cancer Syndrome; Hereditary neoplastic syndrome; Neoplastic Syndromes, Hereditary; Tumor predisposition. Identifiers: Orphanet 140162, MedGen C0027672, MeSH D009386, MONDO:0015356.

Submission:

Ambry Genetics
Classification: Uncertain significance for Hereditary cancer-predisposing syndrome. Last evaluated: 2021-11-06. Review status: criteria provided, single submitter. Criteria: Ambry Variant Classification Scheme 2023. Collection method: clinical testing. Allele origin: germline.
Comment: The p.S3144Y variant (also known as c.9431C>A), located in coding exon 24 of the BRCA2 gene, results from a C to A substitution at nucleotide position 9431. The serine at codon 3144 is replaced by tyrosine, an amino acid with dissimilar properties. This amino acid position is conserved. In addition, this alteration is predicted to be deleterious by in silico analysis. Since supporting evidence is limited at this time, the clinical significance of this alteration remains unclear.

NM_000059.4(BRCA2):c.9431C>A (p.Ser3144Tyr)

Gene: BRCA2 (BRCA2 DNA repair associated; plus strand). Cytogenetic location: 13q13.1.
Variant type: single nucleotide variant.
Coding change: c.9431C>A on transcript NM_000059.4 (MANE Select); coding-DNA position 9431, C replaced by A.
Protein change: p.Ser3144Tyr; replaces serine 3144 with tyrosine.
Molecular consequence: missense variant.
Genome position (GRCh38, 1-based): chr13:32,394,863, C>A. VCF-style: chr13-32394863-C-A. GRCh37 (hg19) VCF-style: chr13-32969000-C-A.
Other names: c.9335C>A, p.Ser3112Tyr (NM_001406719.1); c.9380C>A, p.Ser3127Tyr (NM_001406720.1); c.4499C>A, p.Ser1500Tyr (NM_001406721.1); c.3014C>A, p.Ser1005Tyr (NM_001406722.1); short protein forms S3144Y, S3127Y, S3112Y, S1005Y, S1500Y.
Identifiers: ClinVar variation 1766949 (VCV001766949.2), dbSNP rs1555289592, ClinGen allele CA387761530.